The following is an entry in ClinVar:

NM_000256.3(MYBPC3):c.3090G>A (p.Leu1030=)

Gene: MYBPC3 (myosin binding protein C3; minus strand). Cytogenetic location: 11p11.2.
Variant type: single nucleotide variant.
Coding change: c.3090G>A on transcript NM_000256.3 (MANE Select); coding-DNA position 3090, G replaced by A.
Protein change: p.Leu1030=; no amino-acid change (leucine 1030 retained).
Molecular consequence: synonymous variant.
Genome position (GRCh38, 1-based): chr11:47,333,657, C>T on the plus strand (G>A on the coding strand, the complement: MYBPC3 is on the minus strand). VCF-style: chr11-47333657-C-T. GRCh37 (hg19) VCF-style: chr11-47355208-C-T.
Identifiers: ClinVar variation 924868 (VCV000924868.12), dbSNP rs770351760, ClinGen allele CA079115.

ClinVar aggregate classification (germline): Likely benign. Review status: criteria provided, multiple submitters, no conflicts (2 of 4 stars). 4 submissions from 4 submitters: Likely benign (4). Last evaluated 2026-07-31.

Conditions:
Cardiomyopathy (CMYO). Also called: Cardiomyopathies. Identifiers: Orphanet 167848, MedGen C0878544, MONDO:0004994, HP:0001638. Inheritance: Various modes of inheritance.
Hypertrophic cardiomyopathy. Also called: HYPERTROPHIC MYOCARDIOPATHY. Identifiers: Orphanet 217569, MedGen C0007194, MeSH D002312, MONDO:0005045, HP:0001639.
Cardiovascular phenotype. Identifiers: MedGen CN230736.

gnomAD v4.1: 11 of 1,610,818 alleles (0.00068%); highest among the groups gnomAD compares: East Asian, 0.0022%; no homozygotes.

Submissions (4):

Ambry Genetics
Classification: Likely benign for Cardiovascular phenotype. Last evaluated: 2026-07-31. Review status: criteria provided, single submitter. Criteria: Ambry Variant Classification Scheme 2023. Collection method: clinical testing. Allele origin: germline.

Labcorp Genetics (formerly Invitae), Labcorp
Classification: Likely benign for Hypertrophic cardiomyopathy. Last evaluated: 2025-05-21. Review status: criteria provided, single submitter. Criteria: Invitae Variant Classification Sherloc (09022015). Collection method: clinical testing. Allele origin: germline.

All of Us Research Program, National Institutes of Health
Classification: Likely benign for Hypertrophic cardiomyopathy. Last evaluated: 2023-12-01. Review status: criteria provided, single submitter. Criteria: ACMG Guidelines, 2015. Collection method: clinical testing. Allele origin: germline. Inheritance: Autosomal dominant inheritance. Observed: 2 variant alleles, 2 heterozygotes.
Comment: This study involves interpretation of variants in research participants for the purpose of population health screening. Participant phenotype was not available at the time of variant classification. Additional details can be found in publication PMID: 35346344, PMCID: PMC8962531

Color Diagnostics, LLC DBA Color Health
Classification: Likely benign for Cardiomyopathy. Last evaluated: 2018-11-13. Review status: criteria provided, single submitter. Criteria: ACMG Guidelines, 2015. Collection method: clinical testing. Allele origin: germline.